The following is an entry in ClinVar:

NM_005476.7(GNE):c.484C>T (p.Arg162Cys)

Gene: GNE (glucosamine (UDP-N-acetyl)-2-epimerase/N-acetylmannosamine kinase; minus strand). Cytogenetic location: 9p13.3.
Variant type: single nucleotide variant.
Coding change: c.484C>T on transcript NM_005476.7 (MANE Select); coding-DNA position 484, C replaced by T.
Protein change: p.Arg162Cys; replaces arginine 162 with cysteine.
Molecular consequence: missense variant.
Genome position (GRCh38, 1-based): chr9:36,246,163, G>A on the plus strand (C>T on the coding strand, the complement: GNE is on the minus strand). VCF-style: chr9-36246163-G-A. GRCh37 (hg19) VCF-style: chr9-36246160-G-A.
Other names: c.577C>T, p.Arg193Cys (NM_001128227.3); c.484C>T, p.Arg162Cys (NM_001190383.3, NM_001374797.1); c.307C>T, p.Arg103Cys (NM_001190384.3, NM_001190388.2, NM_001374798.1); short protein forms R193C, R162C, R103C.
Identifiers: ClinVar variation 290196 (VCV000290196.23), dbSNP rs769215411, ClinGen allele CA5056722.

ClinVar aggregate classification (germline): Pathogenic/Likely pathogenic. Review status: criteria provided, multiple submitters, no conflicts (2 of 4 stars). 8 submissions from 8 submitters: Pathogenic (4); Likely pathogenic (3). 1 of the submissions does not count toward it. Last evaluated 2025-06-05.

Conditions:
Sialuria. Also called: Sialic Acid Storage Disease; SIALURIA, FRENCH TYPE. Identifiers: Orphanet 3166, MedGen C0342853, MONDO:0010028, OMIM 269921.
GNE myopathy (NM). Also called: MYOPATHY, DISTAL, WITH OR WITHOUT RIMMED VACUOLES; IBM 2; Inclusion body myopathy autosomal recessive; Inclusion body myopathy quadriceps sparing; NONAKA DISTAL MYOPATHY; INCLUSION BODY MYOPATHY, HEREDITARY, AUTOSOMAL RECESSIVE. Identifiers: Orphanet 602, MedGen C1853926, MONDO:0011603, OMIM 605820.
Thrombocytopenia 12 with or without myopathy (THC12). Identifiers: MedGen C5935593, MONDO:0958325, OMIM 620757.

Allele frequency attached by ClinVar (database versions not stated): ExAC 0.00002; TOPMed 0.00002.
gnomAD v4.1: 16 of 1,613,540 alleles (0.00099%); highest among the groups gnomAD compares: Non-Finnish European, 0.0014%; no homozygotes.

Submissions (8):

Labcorp Genetics (formerly Invitae), Labcorp
Classification: Pathogenic for Sialuria; GNE myopathy. Last evaluated: 2025-06-05. Review status: criteria provided, single submitter. Criteria: Invitae Variant Classification Sherloc (09022015). Collection method: clinical testing. Allele origin: germline.
Comment: This sequence change replaces arginine, which is basic and polar, with cysteine, which is neutral and slightly polar, at codon 193 of the GNE protein (p.Arg193Cys). This variant is present in population databases (rs769215411, gnomAD 0.003%). This missense change has been observed in individual(s) with autosomal recessive GNE-related conditions (PMID: 12811782, 24005727, 28099567). In at least one individual the data is consistent with being in trans (on the opposite chromosome) from a pathogenic variant. It has also been observed to segregate with disease in related individuals. This variant is also known as R162C. ClinVar contains an entry for this variant (Variation ID: 290196). Invitae Evidence Modeling of protein sequence and biophysical properties (such as structural, functional, and spatial information, amino acid conservation, physicochemical variation, residue mobility, and thermodynamic stability) has been performed for this missense variant. However, the output from this modeling did not meet the statistical confidence thresholds required to predict the impact of this variant on GNE protein function. For these reasons, this variant has been classified as Pathogenic.

3billion
Classification: Pathogenic for GNE myopathy. Last evaluated: 2024-10-11. Review status: criteria provided, single submitter. Criteria: ACMG Guidelines, 2015. Collection method: clinical testing. Allele origin: germline. Affected: yes.
Comment: The variant is observed at an extremely low frequency in the gnomAD v4.1.0 dataset (total allele frequency: 0.001%). Predicted Consequence/Location: Missense variant In silico tool predictions suggest damaging effect of the variant on gene or gene product [REVEL: 0.90 (>=0.6, sensitivity 0.68 and specificity 0.92); 3Cnet: 0.99 (>=0.6, sensitivity 0.72 and precision 0.9)]. The same nucleotide change resulting in the same amino acid change has been previously reported as pathogenic/likely pathogenic with strong evidence (ClinVar ID: VCV000290196 /PMID: 12811782). The variant has been reported to be in trans with a pathogenic variant as either compound heterozygous or homozygous in at least one similarly affected unrelated individual (PMID: 24005727, 28099567). The variant has been reported to co-segregate with the disease in at least one similarly affected relative/individual in the same family or similarly affected unrelated family (PMID: 12811782). Therefore, this variant is classified as Pathogenic according to the recommendation of ACMG/AMP guideline.

Fulgent Genetics
Classification: Pathogenic for Sialuria; GNE myopathy; Thrombocytopenia 12 with or without myopathy. Last evaluated: 2024-05-31. Review status: criteria provided, single submitter. Criteria: ACMG Guidelines, 2015. Collection method: clinical testing. Allele origin: germline.

Baylor Genetics
Classification: Likely pathogenic for GNE myopathy. Last evaluated: 2024-03-04. Review status: criteria provided, single submitter. Criteria: ACMG Guidelines, 2015. Collection method: clinical testing. Allele origin: unknown.

Revvity Omics, Revvity
Classification: Likely pathogenic. Last evaluated: 2021-08-23. Review status: criteria provided, single submitter. Criteria: ACMG Guidelines, 2015. Collection method: clinical testing. Allele origin: germline.

Institute of Human Genetics, University of Leipzig Medical Center
Classification: Likely pathogenic for GNE myopathy. Last evaluated: 2019-01-01. Review status: criteria provided, single submitter. Criteria: ACMG Guidelines, 2015. Collection method: clinical testing. Allele origin: unknown. Affected: yes.

Eurofins Ntd Llc (ga)
Classification: Pathogenic. Last evaluated: 2016-08-08. Review status: criteria provided, single submitter. Criteria: EGL Classification Definitions 2015. Collection method: clinical testing. Allele origin: germline. Observed: 1 variant allele, 1 heterozygote.

Counsyl
Classification: Likely pathogenic for GNE myopathy. Last evaluated: 2017-06-22. Review status: no assertion criteria provided. Collection method: clinical testing. Allele origin: unknown. Not counted in ClinVar's aggregate classification.

Literature cited by the submitters: PubMed 12811782 (cited by 3 submitters); PubMed 24005727 (cited by 3 submitters); PubMed 28099567 (cited by 3 submitters).